The following is an entry in ClinVar:

ClinVar aggregate classification (germline): Uncertain significance (1 of 4 stars; one submission).

Allele frequency attached by ClinVar (database versions not stated): gnomAD exomes below 0.00001.
gnomAD v4.1: 2 of 1,614,118 alleles (0.00012%); no homozygotes.

Submission:

Labcorp Genetics (formerly Invitae), Labcorp
Classification: Uncertain significance. Last evaluated: 2022-07-12. Review status: criteria provided, single submitter. Criteria: Invitae Variant Classification Sherloc (09022015). Collection method: clinical testing. Allele origin: germline.
Comment: Algorithms developed to predict the effect of missense changes on protein structure and function (SIFT, PolyPhen-2, Align-GVGD) all suggest that this variant is likely to be disruptive. This variant has not been reported in the literature in individuals affected with KANK1-related conditions. This variant is present in population databases (no rsID available, gnomAD 0.0009%). This sequence change replaces alanine, which is neutral and non-polar, with valine, which is neutral and non-polar, at codon 1237 of the KANK1 protein (p.Ala1237Val). In summary, the available evidence is currently insufficient to determine the role of this variant in disease. Therefore, it has been classified as a Variant of Uncertain Significance.

NM_015158.5(KANK1):c.3710C>T (p.Ala1237Val)

Gene: KANK1 (KN motif and ankyrin repeat domains 1; plus strand). Cytogenetic location: 9p24.3.
Variant type: single nucleotide variant.
Coding change: c.3710C>T on transcript NM_015158.5 (MANE Select); coding-DNA position 3710, C replaced by T.
Protein change: p.Ala1237Val; replaces alanine 1237 with valine.
Molecular consequence: missense variant. On other transcripts: non-coding transcript variant (1).
Genome position (GRCh38, 1-based): chr9:742,218, C>T. VCF-style: chr9-742218-C-T. GRCh37 (hg19) VCF-style: chr9-742218-C-T.
Other names: c.3710C>T, p.Ala1237Val (NM_001256876.3, NM_001256877.3, NM_001354334.2); c.3470C>T, p.Ala1157Val (NM_001354331.2); c.3656C>T, p.Ala1219Val (NM_001354332.2); c.3236C>T, p.Ala1079Val (NM_001354333.2, NM_001354335.2, NM_001354337.2 and 2 more transcripts); c.2942C>T, p.Ala981Val (NM_001354336.2); c.3182C>T, p.Ala1061Val (NM_001354338.2, NM_001354340.2, NM_001354344.2); c.2996C>T, p.Ala999Val (NM_001354339.2, NM_001354342.2, NM_001354343.2); short protein forms A1079V, A1219V, A1237V, A981V, A1157V, A1061V, A999V.
Identifiers: ClinVar variation 2004113 (VCV002004113.4), dbSNP rs1310303858, ClinGen allele CA372762259.